The following is an entry in ClinVar:

NM_018297.4(NGLY1):c.305G>T (p.Arg102Leu)

Gene: NGLY1 (N-glycanase 1; minus strand). Cytogenetic location: 3p24.2.
Variant type: single nucleotide variant.
Coding change: c.305G>T on transcript NM_018297.4 (MANE Select); coding-DNA position 305, G replaced by T.
Protein change: p.Arg102Leu; replaces arginine 102 with leucine.
Molecular consequence: missense variant.
Genome position (GRCh38, 1-based): chr3:25,764,253, C>A on the plus strand (G>T on the coding strand, the complement: NGLY1 is on the minus strand). VCF-style: chr3-25764253-C-A. GRCh37 (hg19) VCF-style: chr3-25805744-C-A.
Other names: c.305G>T, p.Arg102Leu (NM_001145293.2, NM_001145295.2); c.179G>T, p.Arg60Leu (NM_001145294.2); short protein forms R60L, R102L.
Identifiers: ClinVar variation 852272 (VCV000852272.7), dbSNP rs750589736, ClinGen allele CA351909647.

ClinVar aggregate classification (germline): Uncertain significance (1 of 4 stars; one submission).

Conditions:
Congenital disorder of deglycosylation (CDDG). Identifiers: MedGen C3808991, MONDO:0031376.

gnomAD v4.1: 1 of 1,613,982 alleles (0.000062%); highest among the groups gnomAD compares: South Asian, 0.0011%; no homozygotes.

Submission:

Labcorp Genetics (formerly Invitae), Labcorp
Classification: Uncertain significance for Congenital disorder of deglycosylation. Last evaluated: 2019-03-28. Review status: criteria provided, single submitter. Criteria: Invitae Variant Classification Sherloc (09022015). Collection method: clinical testing. Allele origin: germline.
Comment: In summary, the available evidence is currently insufficient to determine the role of this variant in disease. Therefore, it has been classified as a Variant of Uncertain Significance. Algorithms developed to predict the effect of missense changes on protein structure and function are either unavailable or do not agree on the potential impact of this missense change (SIFT: "Deleterious"; PolyPhen-2: "Probably Damaging"; Align-GVGD: "Class C0"). This variant has not been reported in the literature in individuals with NGLY1-related conditions. This variant is not present in population databases (ExAC no frequency). This sequence change replaces arginine with leucine at codon 102 of the NGLY1 protein (p.Arg102Leu). The arginine residue is highly conserved and there is a moderate physicochemical difference between arginine and leucine.